The following is an entry in ClinVar:

NM_005876.5(SPEG):c.7200C>T (p.Val2400=)

Genes: ASIC4-AS1 (ASIC4 antisense RNA 1; minus strand), SPEG (striated muscle enriched protein kinase; plus strand). Cytogenetic location: 2q35.
Variant type: single nucleotide variant.
Coding change: c.7200C>T on transcript NM_005876.5 (MANE Select); coding-DNA position 7200, C replaced by T.
Protein change: p.Val2400=; no amino-acid change (valine 2400 retained).
Molecular consequence: synonymous variant.
Genome position (GRCh38, 1-based): chr2:219,484,663, C>T. VCF-style: chr2-219484663-C-T. GRCh37 (hg19) VCF-style: chr2-220349385-C-T.
Other names: c.7200C>T (NM_005876.4).
Identifiers: ClinVar variation 1175988 (VCV001175988.43), dbSNP rs62191887, ClinGen allele CA2127191.
Genomic context (GRCh38, chr2:219,484,663, plus strand): 5'-CCCGCTGGAGCTGGTGCGACGGCCTGAGCGCTCACGCTCGGTGCAGGACCTCAGGGCTGT[C>T]GGAGAGCCTGGCCTCGTCCGCCGCCTCTCGCTGTCACTGTCCCAGCGGCTGCGGCGGACC-3'
Protein context (NP_005867.3, residues 2390-2410): RSRSVQDLRA[Val2400=]GEPGLVRRLS

ClinVar aggregate classification (germline): Likely benign. Review status: criteria provided, multiple submitters, no conflicts (2 of 4 stars). 4 submissions from 4 submitters: Likely benign (3). 1 of the submissions does not count toward it. Last evaluated 2026-08-01.

Conditions:
SPEG-related disorder. Also called: SPEG-related condition.

gnomAD v4.1: 71 of 1,529,698 alleles (0.0046%); highest among the groups gnomAD compares: Middle Eastern, 0.067%; no homozygotes.

Submissions (4):

CeGaT Center for Human Genetics Tuebingen
Classification: Likely benign. Last evaluated: 2026-08-01. Review status: criteria provided, single submitter. Criteria: CeGaT Center For Human Genetics Tuebingen Variant Classification Criteria Version 2. Collection method: clinical testing. Allele origin: germline. Affected: yes. Observed: 2 variant alleles.
Comment: SPEG: BP4, BP7

Labcorp Genetics (formerly Invitae), Labcorp
Classification: Likely benign. Last evaluated: 2025-01-20. Review status: criteria provided, single submitter. Criteria: Invitae Variant Classification Sherloc (09022015). Collection method: clinical testing. Allele origin: germline.

Blueprint Genetics
Classification: Likely benign. Last evaluated: 2024-10-10. Review status: criteria provided, single submitter. Criteria: ACMG Guidelines, 2015. Collection method: clinical testing. Allele origin: germline.

PreventionGenetics, part of Exact Sciences
Classification: Likely benign for SPEG-related condition. Last evaluated: 2022-03-31. Review status: no assertion criteria provided. Collection method: clinical testing. Allele origin: germline. Not counted in ClinVar's aggregate classification.
Comment: This variant is classified as likely benign based on ACMG/AMP sequence variant interpretation guidelines (Richards et al. 2015 PMID: 25741868, with internal and published modifications).